The following is an entry in ClinVar:

ClinVar aggregate classification (germline): Likely pathogenic. Review status: criteria provided, multiple submitters, no conflicts (2 of 4 stars). 4 submissions from 4 submitters: Likely pathogenic (2). 2 of the submissions do not count toward it. Last evaluated 2026-01-03.

Conditions:
Craniofacial microsomia 2 (CFM2). Identifiers: MedGen C5781610, MONDO:0958194, OMIM 620444.
Craniofacial microsomia 1 (CFM1). Also called: Hemifacial microsomia. Identifiers: Orphanet 374, MedGen C3495417, MONDO:0958175, OMIM 164210.

Submissions (4):

GeneDx
Classification: Likely pathogenic. Last evaluated: 2026-01-03. Review status: criteria provided, single submitter. Criteria: GeneDx Variant Classification Process June 2021. Collection method: clinical testing. Allele origin: germline.
Comment: In silico analysis suggests that this missense variant does not alter protein structure/function; Not observed at significant frequency in large population cohorts (gnomAD); This variant is associated with the following publications: (PMID: 36260083, 37041148, 38360210)

3billion
Classification: Likely pathogenic for Craniofacial microsomia 2. Last evaluated: 2024-10-16. Review status: criteria provided, single submitter. Criteria: ACMG Guidelines, 2015. Collection method: clinical testing. Allele origin: germline. Affected: yes.
Comment: The variant is not observed in the gnomAD v4.1.0 dataset. Predicted Consequence/Location: Missense variant. Missense changes are a common disease-causing mechanism. Functional studies provide moderate evidence of the variant having a damaging effect on the gene or gene product (PMID: 36260083).In silico tool predictions suggest damaging effect of the variant on gene or gene product [3Cnet: 0.99 (>=0.6, sensitivity 0.72 and precision 0.9)]. The same nucleotide change resulting in the same amino acid change has been previously reported to be associated with FOXI3 related disorder (ClinVar ID: VCV002431343 /PMID: 36260083).A different missense change at the same codon (p.Arg236Gln) has been reported to be associated with FOXI3 related disorder (ClinVar ID: VCV002431342 /PMID: 37041148). Therefore, this variant is classified as Likely pathogenic according to the recommendation of ACMG/AMP guideline.

OMIM
Classification: Pathogenic for CRANIOFACIAL MICROSOMIA 2. Last evaluated: 2023-07-13. Review status: no assertion criteria provided. Collection method: literature only. Allele origin: germline. Not counted in ClinVar's aggregate classification.

ZhangYB Lab, Beihang University
Classification: Likely pathogenic for Craniofacial microsomia 1. Last evaluated: 2022-03-06. Review status: no assertion criteria provided. Collection method: research. Allele origin: germline, not applicable. Inheritance: Autosomal dominant inheritance. Affected: yes. Observed: 1 heterozygote. Not counted in ClinVar's aggregate classification.
Comment: The Arg236Trp variant in FOXI3 was identified from a Chinese craniofacial microsomia family with autosomal dominant inheritance, and in vitro experiments showed that the Arg236Trp variant could decrease the transactivation of FOXI3, and affect the entry of FOXI3 into the nucleus.

Literature cited by the submitters: PubMed 36260083 (cited by 3billion and OMIM); PubMed 37041148 (cited by 3billion and OMIM).

NM_001135649.3(FOXI3):c.706C>T (p.Arg236Trp)

Gene: FOXI3 (forkhead box I3; minus strand). Cytogenetic location: 2p11.2.
Variant type: single nucleotide variant.
Coding change: c.706C>T on transcript NM_001135649.3 (MANE Select); coding-DNA position 706, C replaced by T.
Protein change: p.Arg236Trp; replaces arginine 236 with tryptophan.
Molecular consequence: missense variant.
Genome position (GRCh38, 1-based): chr2:88,448,764, G>A on the plus strand (C>T on the coding strand, the complement: FOXI3 is on the minus strand). VCF-style: chr2-88448764-G-A. GRCh37 (hg19) VCF-style: chr2-88748283-G-A.
Other names: c.706C>T (NM_001135649.1); short protein forms R236W.
Identifiers: ClinVar variation 2431343 (VCV002431343.16), dbSNP rs1675993398, ClinGen allele CA347765443.